The following is an entry in ClinVar:

ClinVar aggregate classification (germline): Uncertain significance (1 of 4 stars; one submission).

Conditions:
Neurodevelopmental disorder with poor language and loss of hand skills. Identifiers: MedGen C4693546, MONDO:0060659, OMIM 617903.
Developmental and epileptic encephalopathy, 59. Also called: Early infantile epileptic encephalopathy 59. Identifiers: MedGen C4693550, MONDO:0033368, OMIM 617904.

Submission:

New York Genome Center
Classification: Uncertain significance for Developmental and epileptic encephalopathy, 59; Neurodevelopmental disorder with poor language and loss of hand skills. Last evaluated: 2021-04-23. Review status: criteria provided, single submitter. Criteria: NYGC Assertion Criteria 2020. Collection method: clinical testing. Allele origin: de novo. Observed: 1 heterozygote. Study: CSER-NYCKidSeq.
Comment: The de novo c.*1906T>C variant identified in the GABBR2 gene substitutes a conserved Adenine for Guanine at the nucleotide level in the 3’ untranslated region of the gene(3’UTR). This variant is absent from gnomAD(v3.1.1) suggesting it is not a common benign variant in the populations represented in that database. This variant is absent from ClinVar and to our current knowledge has not been reported in affected individuals in the literature. To our current knowledge, variants in the 3’UTR of GABBR2 have not been reported in affected individuals in the literature. Given the lack of compelling evidence for its pathogenicity, the de novo c.*1906T>C variant identified in the GABBR2 gene is reported as a Variant of Uncertain Significance.

NM_005458.8(GABBR2):c.*1906T>C

Gene: GABBR2 (gamma-aminobutyric acid type B receptor subunit 2; minus strand). Cytogenetic location: 9q22.33.
Variant type: single nucleotide variant.
Coding change: c.*1906T>C on transcript NM_005458.8 (MANE Select); 1906 bases downstream of the stop codon, T replaced by C.
Molecular consequence: 3 prime UTR variant.
Genome position (GRCh38, 1-based): chr9:98,288,678, A>G on the plus strand (T>C on the coding strand, the complement: GABBR2 is on the minus strand). VCF-style: chr9-98288678-A-G. GRCh37 (hg19) VCF-style: chr9-101050960-A-G.
Identifiers: ClinVar variation 1679636 (VCV001679636.2), dbSNP rs1588081632, ClinGen allele CA1866884781.